The following is an entry in ClinVar:

NM_001371623.1(TCOF1):c.1413G>A (p.Gln471=)

Gene: TCOF1 (treacle ribosome biogenesis factor 1; plus strand). Cytogenetic location: 5q32.
Variant type: single nucleotide variant.
Coding change: c.1413G>A on transcript NM_001371623.1 (MANE Select); coding-DNA position 1413, G replaced by A.
Protein change: p.Gln471=; no amino-acid change (glutamine 471 retained).
Molecular consequence: synonymous variant.
Genome position (GRCh38, 1-based): chr5:150,375,088, G>A. VCF-style: chr5-150375088-G-A. GRCh37 (hg19) VCF-style: chr5-149754651-G-A.
Other names: c.1182G>A, p.Gln394= (NM_000356.4, NM_001135245.2); c.1413G>A, p.Gln471= (NM_001008657.3, NM_001135243.2, NM_001135244.2 and 1 more transcripts).
Identifiers: ClinVar variation 3049932 (VCV003049932.2), dbSNP rs2533429356, ClinGen allele CA447407928.

ClinVar aggregate classification (germline): Likely benign (0 of 4 stars; one submission).

Conditions:
TCOF1-related disorder. Also called: TCOF1-related condition.

Allele frequency attached by ClinVar (database versions not stated): gnomAD exomes below 0.00001.
gnomAD v4.1: 2 of 1,614,170 alleles (0.00012%); highest among the groups gnomAD compares: African/African-American, 0.0013%; no homozygotes.

Submission:

PreventionGenetics, part of Exact Sciences
Classification: Likely benign for TCOF1-related condition. Last evaluated: 2022-06-16. Review status: no assertion criteria provided. Collection method: clinical testing. Allele origin: germline.
Comment: This variant is classified as likely benign based on ACMG/AMP sequence variant interpretation guidelines (Richards et al. 2015 PMID: 25741868, with internal and published modifications).